The following is an entry in ClinVar:

NM_199355.4(ADAMTS18):c.770G>C (p.Arg257Pro)

Gene: ADAMTS18 (ADAM metallopeptidase with thrombospondin type 1 motif 18; minus strand). Cytogenetic location: 16q23.1.
Variant type: single nucleotide variant.
Coding change: c.770G>C on transcript NM_199355.4 (MANE Select); coding-DNA position 770, G replaced by C.
Protein change: p.Arg257Pro; replaces arginine 257 with proline.
Molecular consequence: missense variant.
Genome position (GRCh38, 1-based): chr16:77,367,449, C>G on the plus strand (G>C on the coding strand, the complement: ADAMTS18 is on the minus strand). VCF-style: chr16-77367449-C-G. GRCh37 (hg19) VCF-style: chr16-77401346-C-G.
Other names: c.250G>C, p.Ala84Pro (NM_001326358.2); short protein forms A84P, R257P.
Identifiers: ClinVar variation 1058094 (VCV001058094.8), dbSNP rs891093965, ClinGen allele CA284376821.

ClinVar aggregate classification (germline): Uncertain significance. Review status: criteria provided, multiple submitters, no conflicts (2 of 4 stars). 2 submissions from 2 submitters: Uncertain significance (2). Last evaluated 2023-08-10.

Allele frequency attached by ClinVar (database versions not stated): TOPMed 0.00002.
gnomAD v4.1: 14 of 1,614,044 alleles (0.00087%); highest among the groups gnomAD compares: Non-Finnish European, 0.0011%; no homozygotes.

Submissions (2):

Labcorp Genetics (formerly Invitae), Labcorp
Classification: Uncertain significance. Last evaluated: 2023-08-10. Review status: criteria provided, single submitter. Criteria: Invitae Variant Classification Sherloc (09022015). Collection method: clinical testing. Allele origin: germline.
Comment: This sequence change replaces arginine, which is basic and polar, with proline, which is neutral and non-polar, at codon 257 of the ADAMTS18 protein (p.Arg257Pro). This variant is present in population databases (no rsID available, gnomAD 0.0009%). This variant has not been reported in the literature in individuals affected with ADAMTS18-related conditions. ClinVar contains an entry for this variant (Variation ID: 1058094). An algorithm developed to predict the effect of missense changes on protein structure and function (PolyPhen-2) suggests that this variant is likely to be disruptive. In summary, the available evidence is currently insufficient to determine the role of this variant in disease. Therefore, it has been classified as a Variant of Uncertain Significance.

Blueprint Genetics
Classification: Uncertain significance. Last evaluated: 2021-05-06. Review status: criteria provided, single submitter. Criteria: ACMG Guidelines, 2015. Collection method: clinical testing. Allele origin: germline.